The following is an entry in ClinVar:

NM_000275.3(OCA2):c.1552del (p.Val519fs)

Gene: OCA2 (OCA2 melanosomal transmembrane protein; minus strand). Cytogenetic location: 15q13.1.
Variant type: Deletion.
Coding change: c.1552del on transcript NM_000275.3 (MANE Select); coding-DNA position 1552, one base deleted (C; older notation c.1552delC).
Protein change: p.Val519fs; shifts the reading frame from valine 519.
Molecular consequence: frameshift variant.
Genome position (GRCh38, 1-based): chr15:27,966,774, G deleted on the plus strand (C on the coding strand, the reverse complement: OCA2 is on the minus strand); the first of 2 consecutive G bases (chr15:27,966,774-27,966,775); deleting either gives the same sequence. VCF-style (leftmost placement, unchanged base first): chr15-27966773-AG-A. GRCh37 (hg19) VCF-style: chr15-28211919-AG-A.
Other names: c.1480del, p.Val495fs (NM_001300984.2); short protein forms V495fs, V519fs.
Identifiers: ClinVar variation 5014291 (VCV005014291.1).

ClinVar aggregate classification (germline): Pathogenic (1 of 4 stars; one submission).

Conditions:
Tyrosinase-positive oculocutaneous albinism (OCA2). Also called: ALBINISM II; Oculocutaneous albinism type 2; Albinism, oculocutaneous, type II. Identifiers: Orphanet 79432, MedGen C0268495, MONDO:0008746, OMIM 203200.

Submission:

Myriad Genetics, Inc.
Classification: Pathogenic for Tyrosinase-positive oculocutaneous albinism. Last evaluated: 2025-04-02. Review status: criteria provided, single submitter. Criteria: Myriad Autosomal Dominant, Autosomal Recessive and X-Linked Classification Criteria (2023). Collection method: clinical testing. Allele origin: unknown.
Comment: NM_000275.2(OCA2):c.1552delC(V519Ffs*29) is expected to be pathogenic in the context of oculocutaneous albinism, OCA2-related. This variant is predicted to lead to an abnormal or absent protein product due to the creation of a premature termination codon in OCA2, a gene where loss-of-function variants are known to be pathogenic. Please note: this variant was assessed in the context of healthy population screening.